The following is an entry in ClinVar:

ClinVar aggregate classification (germline): Benign/Likely benign. Review status: criteria provided, multiple submitters, no conflicts (2 of 4 stars). 4 submissions from 4 submitters: Benign (2); Likely benign (2). Last evaluated 2026-01-20.

Allele frequency attached by ClinVar (database versions not stated): gnomAD exomes 0.00033 and 0.00076; ExAC 0.00102; gnomAD 0.00275 and 0.00287; TOPMed 0.00308; 1000 Genomes Project 0.00319; ESP Exome Variant Server 0.00363; 1000 Genomes Project 30x 0.00437.
gnomAD v4.1: 912 of 1,600,392 alleles (0.057%); highest among the groups gnomAD compares: African/African-American, 0.96%; 6 homozygotes.

Submissions (4):

Labcorp Genetics (formerly Invitae), Labcorp
Classification: Benign. Last evaluated: 2026-01-20. Review status: criteria provided, single submitter. Criteria: Invitae Variant Classification Sherloc (09022015). Collection method: clinical testing. Allele origin: germline.

Blueprint Genetics
Classification: Likely benign. Last evaluated: 2024-09-24. Review status: criteria provided, single submitter. Criteria: ACMG Guidelines, 2015. Collection method: clinical testing. Allele origin: germline.

CeGaT Center for Human Genetics Tuebingen
Classification: Likely benign. Last evaluated: 2023-05-01. Review status: criteria provided, single submitter. Criteria: CeGaT Center For Human Genetics Tuebingen Variant Classification Criteria Version 2. Collection method: clinical testing. Allele origin: germline. Affected: yes. Observed: 1 variant allele.
Comment: KIAA1549: BP4, BP7

Breakthrough Genomics
Classification: Benign. Review status: criteria provided, single submitter. Criteria: ACMG Guidelines, 2015. Collection method: not provided. Allele origin: germline. Inheritance: Autosomal recessive inheritance. Affected: yes.

NM_001164665.2(KIAA1549):c.2640C>T (p.Ser880=)

Gene: KIAA1549 (KIAA1549; minus strand). Cytogenetic location: 7q34.
Variant type: single nucleotide variant.
Coding change: c.2640C>T on transcript NM_001164665.2 (MANE Select); coding-DNA position 2640, C replaced by T.
Protein change: p.Ser880=; no amino-acid change (serine 880 retained).
Molecular consequence: synonymous variant.
Genome position (GRCh38, 1-based): chr7:138,916,986, G>A on the plus strand (C>T on the coding strand, the complement: KIAA1549 is on the minus strand). VCF-style: chr7-138916986-G-A. GRCh37 (hg19) VCF-style: chr7-138601732-G-A.
Other names: c.2640C>T, p.Ser880= (NM_020910.3).
Identifiers: ClinVar variation 716641 (VCV000716641.39), dbSNP rs115066019, ClinGen allele CA4506461.
Genomic context (GRCh38, chr7:138,916,986, plus strand): 5'-CAGGGTGGAGTCGAGGGGACCACCAGTGGCAGCACCGGTGCTGGTTGTGCTCACTTCCGT[G>A]GAGGTGTTCAGTGGCACCTCTGTGGGTGTGAGTGATGGGCCCACGACGGTCAGCTCTGTG-3'
Protein context (NP_001158137.1, residues 870-890): LTPTEVPLNT[Ser880=]TEVSTTSTGA